The following is an entry in ClinVar:

ClinVar aggregate classification (germline): Uncertain significance (1 of 4 stars; one submission).

Submission:

Greenwood Genetic Center Diagnostic Laboratories, Greenwood Genetic Center
Classification: Uncertain significance. Last evaluated: 2023-11-10. Review status: criteria provided, single submitter. Criteria: ACMG Guidelines, 2015. Collection method: clinical testing. Allele origin: germline. Affected: yes.
Comment: PM2, BP7

NM_001375524.1(TRRAP):c.1941C>T (p.Phe647=)

Gene: TRRAP (transformation/transcription domain associated protein; plus strand). Cytogenetic location: 7q22.1.
Variant type: single nucleotide variant.
Coding change: c.1941C>T on transcript NM_001375524.1 (MANE Select); coding-DNA position 1941, C replaced by T.
Protein change: p.Phe647=; no amino-acid change (phenylalanine 647 retained).
Molecular consequence: synonymous variant.
Genome position (GRCh38, 1-based): chr7:98,911,205, C>T. VCF-style: chr7-98911205-C-T. GRCh37 (hg19) VCF-style: chr7-98508828-C-T.
Other names: c.1941C>T, p.Phe647= (NM_001244580.2, NM_003496.4).
Identifiers: ClinVar variation 2692457 (VCV002692457.1), dbSNP rs2484716223, ClinGen allele CA456656863.